The following is an entry in ClinVar:

NM_000372.5(TYR):c.1106A>G (p.Tyr369Cys)

Gene: TYR (tyrosinase; plus strand). Cytogenetic location: 11q14.3.
Variant type: single nucleotide variant.
Coding change: c.1106A>G on transcript NM_000372.5 (MANE Select); coding-DNA position 1106, A replaced by G.
Protein change: p.Tyr369Cys; replaces tyrosine 369 with cysteine.
Molecular consequence: missense variant.
Genome position (GRCh38, 1-based): chr11:89,227,892, A>G. VCF-style: chr11-89227892-A-G. GRCh37 (hg19) VCF-style: chr11-88961060-A-G.
Other names: short protein forms Y369C.
Identifiers: ClinVar variation 1458014 (VCV001458014.11), dbSNP rs149912348, ClinGen allele CA226306257.
Genomic context (GRCh38, chr11:89,227,892, plus strand): 5'-GTCCACTTACTGGGATAGCGGATGCCTCTCAAAGCAGCATGCACAATGCCTTGCACATCT[A>G]TATGAATGGAACAATGTCCCAGGTACAGGGATCTGCCAACGATCCTATCTTCCTTCTTCA-3'
Protein context (NP_000363.1, residues 359-379): QSSMHNALHI[Tyr369Cys]MNGTMSQVQG

ClinVar aggregate classification (germline): Pathogenic/Likely pathogenic. Review status: criteria provided, multiple submitters, no conflicts (2 of 4 stars). 6 submissions from 6 submitters: Pathogenic (1); Likely pathogenic (5). Last evaluated 2026-02-02.

Conditions:
Oculocutaneous albinism. Identifiers: Orphanet 55, MedGen C0078918, MONDO:0018910.
Oculocutaneous albinism type 1. Also called: Albinism 1; ALBINISM I. Identifiers: Orphanet 352731, MedGen C0268494, MONDO:0018135. Disease mechanism: loss of function.
Oculocutaneous albinism type 1A (OCA1A). Also called: Albinism, oculocutaneous, type IA. Identifiers: Orphanet 352731, Orphanet 79431, MedGen C4551504, MONDO:0008745, OMIM 203100. Disease mechanism: loss of function.
Oculocutaneous albinism type 1B (OCA1B). Also called: YELLOW ALBINISM; ALBINISM, OCULOCUTANEOUS, TYPE IB; ALBINISM, YELLOW MUTANT TYPE. Identifiers: Orphanet 352731, Orphanet 352737, Orphanet 79434, MedGen C1847024, MONDO:0011749, OMIM 606952.
SKIN/HAIR/EYE PIGMENTATION 3, LIGHT/DARK SKIN (SHEP3). Also called: SKIN/HAIR/EYE PIGMENTATION 3, BLUE/GREEN EYE COLOR; SKIN/HAIR/EYE PIGMENTATION 3, FRECKLING; SKIN/HAIR/EYE PIGMENTATION, VARIATION IN, 3; EYE COLOR 1; EYE COLOR, GREEN/BLUE. Identifiers: MedGen C2677190, OMIM 601800.
TYR-related disorder. Also called: TYR-related condition.

Allele frequency attached by ClinVar (database versions not stated): gnomAD exomes 0.00001; TOPMed 0.00001; ESP Exome Variant Server 0.00008.
gnomAD v4.1: 10 of 1,613,644 alleles (0.00062%); highest among the groups gnomAD compares: African/African-American, 0.0013%; no homozygotes.

Submissions (6):

Women's Health and Genetics/Laboratory Corporation of America, LabCorp
Classification: Likely pathogenic for Oculocutaneous albinism. Last evaluated: 2026-02-02. Review status: criteria provided, single submitter. Criteria: LabCorp Variant Classification Summary - May 2015. Collection method: clinical testing. Allele origin: germline.
Comment: Variant summary: TYR c.1106A>G (p.Tyr369Cys) results in a non-conservative amino acid change in the encoded protein sequence. Algorithms developed to predict the effect of missense changes on protein structure and function all suggest that this variant is likely to be disruptive. The variant allele was found at a frequency of 8e-06 in 250962 control chromosomes. c.1106A>G has been observed in individual(s) affected with Oculocutaneous Albinism (examples: King_2003, Lin_2019, Kohli_2024). These data indicate that the variant may be associated with disease. The following publications have been ascertained in the context of this evaluation (PMID: 13680365, 31199599, 38030918). ClinVar contains an entry for this variant (Variation ID: 1458014). Based on the evidence outlined above, the variant was classified as likely pathogenic.

Myriad Genetics, Inc.
Classification: Likely pathogenic for Oculocutaneous albinism type 1. Last evaluated: 2025-02-10. Review status: criteria provided, single submitter. Criteria: Myriad Autosomal Dominant, Autosomal Recessive and X-Linked Classification Criteria (2023). Collection method: clinical testing. Allele origin: unknown.
Comment: NM_000372.4(TYR):c.1106A>G(Y369C) is a missense variant classified as likely pathogenic in the context of oculocutaneous albinism, TYR-related. Y369C has been observed in cases with relevant disease (PMID: 31199599, 38030918, 13680365). Relevant functional assessments of this variant are not available in the literature. Y369C has been observed in referenced population frequency databases. In summary, NM_000372.4(TYR):c.1106A>G(Y369C) is a missense variant that has internal structural support for pathogenicity and has been observed more frequently in cases with the relevant disease than in healthy populations. Please note: this variant was assessed in the context of healthy population screening.

Labcorp Genetics (formerly Invitae), Labcorp
Classification: Pathogenic. Last evaluated: 2024-01-24. Review status: criteria provided, single submitter. Criteria: Invitae Variant Classification Sherloc (09022015). Collection method: clinical testing. Allele origin: germline.
Comment: This sequence change replaces tyrosine, which is neutral and polar, with cysteine, which is neutral and slightly polar, at codon 369 of the TYR protein (p.Tyr369Cys). This variant is present in population databases (rs149912348, gnomAD 0.002%). This missense change has been observed in individual(s) with TYR-related conditions (PMID: 13680365, 31199599). In at least one individual the data is consistent with being in trans (on the opposite chromosome) from a pathogenic variant. ClinVar contains an entry for this variant (Variation ID: 1458014). Advanced modeling of protein sequence and biophysical properties (such as structural, functional, and spatial information, amino acid conservation, physicochemical variation, residue mobility, and thermodynamic stability) has been performed at Invitae for this missense variant, however the output from this modeling did not meet the statistical confidence thresholds required to predict the impact of this variant on TYR protein function. For these reasons, this variant has been classified as Pathogenic.

Fulgent Genetics
Classification: Likely pathogenic for Oculocutaneous albinism type 1A; SKIN/HAIR/EYE PIGMENTATION 3, LIGHT/DARK SKIN; Oculocutaneous albinism type 1B. Last evaluated: 2024-01-10. Review status: criteria provided, single submitter. Criteria: ACMG Guidelines, 2015. Collection method: clinical testing. Allele origin: germline.

Baylor Genetics
Classification: Likely pathogenic for SKIN/HAIR/EYE PIGMENTATION 3, LIGHT/DARK SKIN. Last evaluated: 2023-08-19. Review status: criteria provided, single submitter. Criteria: ACMG Guidelines, 2015. Collection method: clinical testing. Allele origin: unknown.

Blueprint Genetics
Classification: Likely pathogenic for TYR-related disorders. Last evaluated: 2023-05-12. Review status: criteria provided, single submitter. Criteria: ACMG Guidelines, 2015. Collection method: clinical testing. Allele origin: germline. Affected: yes. Observed: 3 variant alleles.

Literature cited by the submitters: PubMed 13680365 (cited by 3 submitters); PubMed 31199599 (cited by 3 submitters); PubMed 38030918 (cited by Women's Health and Genetics/Laboratory Corporation of America, LabCorp and Myriad Genetics, Inc.).